The following is an entry in ClinVar:

ClinVar aggregate classification (germline): Benign. Review status: criteria provided, multiple submitters, no conflicts (2 of 4 stars). 2 submissions from 2 submitters: Benign (2). Last evaluated 2018-10-01.

Conditions:
Progressive sclerosing poliodystrophy (MTDPS4A). Also called: Alpers-Huttenlocher Syndrome (AHS); Alpers Syndrome; ALPERS PROGRESSIVE INFANTILE POLIODYSTROPHY; Mitochondrial DNA depletion syndrome 4A (Alpers type); ALPERS DIFFUSE DEGENERATION OF CEREBRAL GRAY MATTER WITH HEPATIC CIRRHOSIS; Alpers-Huttenlocher Syndrome. Identifiers: Orphanet 726, MedGen C0205710, MONDO:0008758, OMIM 203700.

Allele frequency attached by ClinVar (database versions not stated): gnomAD exomes 0.00860 and 0.00605; 1000 Genomes Project 30x 0.00172; 1000 Genomes Project 0.00200; gnomAD 0.00668 and 0.00805; ExAC 0.00674; ESP Exome Variant Server 0.00723; TOPMed 0.00776.
gnomAD v4.1: 12,675 of 1,503,288 alleles (0.84%); highest among the groups gnomAD compares: Non-Finnish European, 1%; 92 homozygotes.

Submissions (2):

Wong Mito Lab, Molecular and Human Genetics, Baylor College of Medicine
Classification: Benign for Progressive sclerosing poliodystrophy. Last evaluated: 2018-10-01. Review status: criteria provided, single submitter. Criteria: ACMG Guidelines, 2015. Collection method: clinical testing. Allele origin: germline.
Comment: The NM_002693.2:c.1713-31G>A (NP_002684.1:p.=) [GRCH38: NC_000015.10:g.89325717C>T] variant in POLG gene is interpretated to be a Benign based on ACMG guidelines (PMID: 25741868). This variant meets the following evidence codes reported in the ACMG-guideline. BS1:The minor allele frequency of this allele is high for Mitochondrial DNA depletion syndrome 4A (Alpers type). BS2:Observation of the variant in controls is inconsistent with penetrance of Mitochondrial DNA depletion syndrome 4A (Alpers type). BP4:Computational evidence/predictors indicate no impact on the POLG structure, function, or protein-protein interaction. Based on the evidence criteria codes applied, the variant is suggested to be Benign.

Breakthrough Genomics
Classification: Benign. Review status: criteria provided, single submitter. Criteria: ACMG Guidelines, 2015. Collection method: not provided. Allele origin: germline. Inheritance: Autosomal recessive inheritance. Affected: yes.

NM_002693.3(POLG):c.1713-31G>A

Gene: POLG (DNA polymerase gamma, catalytic subunit; minus strand). Cytogenetic location: 15q26.1.
Variant type: single nucleotide variant.
Coding change: c.1713-31G>A on transcript NM_002693.3 (MANE Select); 31 bases into the intron before coding-DNA position 1713, G replaced by A.
Molecular consequence: intron variant.
Genome position (GRCh38, 1-based): chr15:89,325,717, C>T on the plus strand (G>A on the coding strand, the complement: POLG is on the minus strand). VCF-style: chr15-89325717-C-T. GRCh37 (hg19) VCF-style: chr15-89868948-C-T.
Other names: c.1713-31G>A (NM_001126131.2).
Identifiers: ClinVar variation 619381 (VCV000619381.2), dbSNP rs3176191, ClinGen allele CA7724708.